The following is an entry in ClinVar:

ClinVar aggregate classification (germline): Uncertain significance. Review status: criteria provided, multiple submitters, no conflicts (2 of 4 stars). 2 submissions from 2 submitters: Uncertain significance (2). Last evaluated 2023-07-11.

Conditions:
Primary ciliary dyskinesia. Also called: Ciliary dyskinesia. Identifiers: Orphanet 244, MedGen C0008780, MONDO:0016575, HP:0012265.

gnomAD v4.1: 1 of 1,613,450 alleles (0.000062%); no homozygotes.

Submissions (2):

Ambry Genetics
Classification: Uncertain significance for Primary ciliary dyskinesia. Last evaluated: 2023-07-11. Review status: criteria provided, single submitter. Criteria: Ambry Variant Classification Scheme 2023. Collection method: clinical testing. Allele origin: germline.

Labcorp Genetics (formerly Invitae), Labcorp
Classification: Uncertain significance for Primary ciliary dyskinesia. Last evaluated: 2022-07-14. Review status: criteria provided, single submitter. Criteria: Invitae Variant Classification Sherloc (09022015). Collection method: clinical testing. Allele origin: germline.
Comment: This sequence change replaces glutamic acid, which is acidic and polar, with aspartic acid, which is acidic and polar, at codon 66 of the CCDC40 protein (p.Glu66Asp). This variant is not present in population databases (gnomAD no frequency). This variant has not been reported in the literature in individuals affected with CCDC40-related conditions. Algorithms developed to predict the effect of missense changes on protein structure and function output the following: SIFT: "Tolerated"; PolyPhen-2: "Benign"; Align-GVGD: "Class C0". The aspartic acid amino acid residue is found in multiple mammalian species, which suggests that this missense change does not adversely affect protein function. In summary, the available evidence is currently insufficient to determine the role of this variant in disease. Therefore, it has been classified as a Variant of Uncertain Significance.

NM_017950.4(CCDC40):c.198G>T (p.Glu66Asp)

Gene: CCDC40 (coiled-coil domain 40 molecular ruler complex subunit; plus strand). Cytogenetic location: 17q25.3.
Variant type: single nucleotide variant.
Coding change: c.198G>T on transcript NM_017950.4 (MANE Select); coding-DNA position 198, G replaced by T.
Protein change: p.Glu66Asp; replaces glutamic acid 66 with aspartic acid.
Molecular consequence: missense variant.
Genome position (GRCh38, 1-based): chr17:80,039,916, G>T. VCF-style: chr17-80039916-G-T. GRCh37 (hg19) VCF-style: chr17-78013715-G-T.
Other names: c.198G>T, p.Glu66Asp (NM_001243342.2, NM_001330508.2); c.198G>T (NM_017950.3); short protein forms E66D.
Identifiers: ClinVar variation 1716526 (VCV001716526.8), dbSNP rs2510283879, ClinGen allele CA401347446.